The following is an entry in ClinVar:

ClinVar aggregate classification (germline): Uncertain significance. Review status: criteria provided, multiple submitters, no conflicts (2 of 4 stars). 2 submissions from 2 submitters: Uncertain significance (2). Last evaluated 2024-12-23.

gnomAD v4.1: 1 of 1,614,020 alleles (0.000062%); highest among the groups gnomAD compares: Admixed American, 0.0017%; no homozygotes.

Submissions (2):

Labcorp Genetics (formerly Invitae), Labcorp
Classification: Uncertain significance. Last evaluated: 2024-12-23. Review status: criteria provided, single submitter. Criteria: Invitae Variant Classification Sherloc (09022015). Collection method: clinical testing. Allele origin: germline.
Comment: This sequence change replaces glycine, which is neutral and non-polar, with arginine, which is basic and polar, at codon 105 of the GUCA1A protein (p.Gly105Arg). This variant is present in population databases (no rsID available, gnomAD 0.003%). This variant has not been reported in the literature in individuals affected with GUCA1A-related conditions. An algorithm developed to predict the effect of missense changes on protein structure and function (PolyPhen-2) suggests that this variant is likely to be disruptive. In summary, the available evidence is currently insufficient to determine the role of this variant in disease. Therefore, it has been classified as a Variant of Uncertain Significance.

Blueprint Genetics
Classification: Uncertain significance. Last evaluated: 2022-06-10. Review status: criteria provided, single submitter. Criteria: ACMG Guidelines, 2015. Collection method: clinical testing. Allele origin: germline.

NM_001384910.1(GUCA1A):c.313G>C (p.Gly105Arg)

Genes: GUCA1A (guanylate cyclase activator 1A; plus strand), GUCA1ANB-GUCA1A (GUCA1ANB-GUCA1A readthrough; plus strand). Cytogenetic location: 6p21.1.
Variant type: single nucleotide variant.
Coding change: c.313G>C on transcript NM_001384910.1 (MANE Select); coding-DNA position 313, G replaced by C.
Protein change: p.Gly105Arg; replaces glycine 105 with arginine.
Molecular consequence: missense variant.
Genome position (GRCh38, 1-based): chr6:42,178,391, G>C. VCF-style: chr6-42178391-G-C. GRCh37 (hg19) VCF-style: chr6-42146129-G-C.
Other names: c.313G>C, p.Gly105Arg (NM_000409.5, NM_001319061.2, NM_001319062.2); short protein forms G105R.
Identifiers: ClinVar variation 3693936 (VCV003693936.3).